The following is an entry in ClinVar:

ClinVar aggregate classification (germline): Uncertain significance. Review status: criteria provided, multiple submitters, no conflicts (2 of 4 stars). 3 submissions from 3 submitters: Uncertain significance (3). Last evaluated 2024-11-05.

Conditions:
Inborn genetic diseases. Identifiers: MedGen C0950123, MeSH D030342.

Allele frequency attached by ClinVar (database versions not stated): gnomAD 0.00001 and 0.00002; gnomAD exomes 0.00002 and 0.00006; TOPMed 0.00002; ExAC 0.00003; ESP Exome Variant Server 0.00008.

Submissions (3):

Labcorp Genetics (formerly Invitae), Labcorp
Classification: Uncertain significance. Last evaluated: 2024-11-05. Review status: criteria provided, single submitter. Criteria: Invitae Variant Classification Sherloc (09022015). Collection method: clinical testing. Allele origin: germline.
Comment: This sequence change replaces arginine, which is basic and polar, with tryptophan, which is neutral and slightly polar, at codon 2263 of the GPR179 protein (p.Arg2263Trp). This variant is present in population databases (rs369317806, gnomAD 0.005%). This variant has not been reported in the literature in individuals affected with GPR179-related conditions. ClinVar contains an entry for this variant (Variation ID: 1009677). An algorithm developed to predict the effect of missense changes on protein structure and function (PolyPhen-2) suggests that this variant is likely to be tolerated. In summary, the available evidence is currently insufficient to determine the role of this variant in disease. Therefore, it has been classified as a Variant of Uncertain Significance.

Ambry Genetics
Classification: Uncertain significance for Inborn genetic diseases. Last evaluated: 2022-10-26. Review status: criteria provided, single submitter. Criteria: Ambry Variant Classification Scheme 2023. Collection method: clinical testing. Allele origin: germline.

Blueprint Genetics
Classification: Uncertain significance. Last evaluated: 2022-03-06. Review status: criteria provided, single submitter. Criteria: ACMG Guidelines, 2015. Collection method: clinical testing. Allele origin: germline.

NM_001004334.4(GPR179):c.6787C>T (p.Arg2263Trp)

Gene: GPR179 (G protein-coupled receptor 179; minus strand). Cytogenetic location: 17q12.
Variant type: single nucleotide variant.
Coding change: c.6787C>T on transcript NM_001004334.4 (MANE Select); coding-DNA position 6787, C replaced by T.
Protein change: p.Arg2263Trp; replaces arginine 2263 with tryptophan.
Molecular consequence: missense variant.
Genome position (GRCh38, 1-based): chr17:38,326,782, G>A on the plus strand (C>T on the coding strand, the complement: GPR179 is on the minus strand). VCF-style: chr17-38326782-G-A. GRCh37 (hg19) VCF-style: chr17-36482665-G-A.
Other names: c.6787C>T (NM_001004334.2); short protein forms R2263W.
Identifiers: ClinVar variation 1009677 (VCV001009677.10), dbSNP rs369317806, ClinGen allele CA290102809.